The following is an entry in ClinVar:

ClinVar aggregate classification (germline): Uncertain significance (1 of 4 stars; one submission).

Conditions:
Trichorhinophalangeal dysplasia type I (TRPS1). Also called: TRICHORHINOPHALANGEAL SYNDROME, TYPE I; TRPS I. Identifiers: Orphanet 77258, MedGen C0432233, MONDO:0008596, OMIM 190350.
Trichorhinophalangeal syndrome, type III (TRPS3). Also called: SUGIO-KAJII SYNDROME. Identifiers: Orphanet 77258, MedGen C1860823, OMIM 190351, MONDO:0008597.

Allele frequency attached by ClinVar (database versions not stated): ExAC 0.00001; gnomAD exomes 0.00001; TOPMed 0.00001.

Submission:

Labcorp Genetics (formerly Invitae), Labcorp
Classification: Uncertain significance for Trichorhinophalangeal syndrome, type III; Trichorhinophalangeal dysplasia type I. Last evaluated: 2023-08-23. Review status: criteria provided, single submitter. Criteria: Invitae Variant Classification Sherloc (09022015). Collection method: clinical testing. Allele origin: germline.
Comment: Advanced modeling of protein sequence and biophysical properties (such as structural, functional, and spatial information, amino acid conservation, physicochemical variation, residue mobility, and thermodynamic stability) performed at Invitae indicates that this missense variant is not expected to disrupt TRPS1 protein function. In summary, the available evidence is currently insufficient to determine the role of this variant in disease. Therefore, it has been classified as a Variant of Uncertain Significance. This variant has not been reported in the literature in individuals affected with TRPS1-related conditions. This variant is present in population databases (rs755685377, gnomAD 0.003%). This sequence change replaces glycine, which is neutral and non-polar, with serine, which is neutral and polar, at codon 479 of the TRPS1 protein (p.Gly479Ser).

NM_014112.5(TRPS1):c.1435G>A (p.Gly479Ser)

Gene: TRPS1 (transcriptional repressor GATA binding 1; minus strand). Cytogenetic location: 8q23.3.
Variant type: single nucleotide variant.
Coding change: c.1435G>A on transcript NM_014112.5 (MANE Select); coding-DNA position 1435, G replaced by A.
Protein change: p.Gly479Ser; replaces glycine 479 with serine.
Molecular consequence: missense variant.
Genome position (GRCh38, 1-based): chr8:115,604,534, C>T on the plus strand (G>A on the coding strand, the complement: TRPS1 is on the minus strand). VCF-style: chr8-115604534-C-T. GRCh37 (hg19) VCF-style: chr8-116616761-C-T.
Other names: c.1408G>A, p.Gly470Ser (NM_001282902.3); c.1414G>A, p.Gly472Ser (NM_001282903.3); c.1396G>A, p.Gly466Ser (NM_001330599.2); short protein forms G466S, G472S, G479S, G470S.
Identifiers: ClinVar variation 2925191 (VCV002925191.3), dbSNP rs755685377, ClinGen allele CA4851826.